The following is an entry in ClinVar:

NM_000515.5(GH1):c.13T>C (p.Ser5Pro)

Genes: GH-LCR (growth hormone locus control region; plus strand), GH1 (growth hormone 1; minus strand). Cytogenetic location: 17q23.3.
Variant type: single nucleotide variant.
Coding change: c.13T>C on transcript NM_000515.5 (MANE Select); coding-DNA position 13, T replaced by C.
Protein change: p.Ser5Pro; replaces serine 5 with proline.
Molecular consequence: missense variant.
Genome position (GRCh38, 1-based): chr17:63,918,504, A>G on the plus strand (T>C on the coding strand, the complement: GH1 is on the minus strand). VCF-style: chr17-63918504-A-G. GRCh37 (hg19) VCF-style: chr17-61995864-A-G.
Other names: c.13T>C, p.Ser5Pro (NM_022559.4, NM_022560.4); short protein forms S5P.
Identifiers: ClinVar variation 4885998 (VCV004885998.2).

ClinVar aggregate classification (germline): Uncertain significance (1 of 4 stars; one submission).

Submission:

Dasa
Classification: Uncertain significance. Last evaluated: 2025-09-03. Review status: criteria provided, single submitter. Criteria: DASA Assertion Criteria. Collection method: clinical testing. Allele origin: germline.
Comment: NM_000515.5(GH1):c.13T>C (p.Ser5Pro) is a missense variant that results in the substitution of serine with proline. This variant is rare in population databases. The currently available literature and clinical evidence are not sufficient to establish a definitive association between this variant and the reported condition. Therefore, this variant is classified as a variant of uncertain significance.